The following is an entry in ClinVar:

ClinVar aggregate classification (germline): Pathogenic. Review status: criteria provided, multiple submitters, no conflicts (2 of 4 stars). 2 submissions from 2 submitters: Pathogenic (2). Last evaluated 2025-04-09.

Conditions:
Familial cancer of breast. Also called: Hereditary breast cancer; BREAST CANCER, FAMILIAL; hereditary breast carcinoma. Identifiers: Orphanet 227535, MedGen C0346153, MONDO:0016419, OMIM 114480. Disease mechanism: loss of function.

Submissions (2):

Labcorp Genetics (formerly Invitae), Labcorp
Classification: Pathogenic for Familial cancer of breast. Last evaluated: 2025-04-09. Review status: criteria provided, single submitter. Criteria: Invitae Variant Classification Sherloc (09022015). Collection method: clinical testing. Allele origin: germline.
Comment: This sequence change creates a premature translational stop signal (p.Tyr28*) in the PALB2 gene. It is expected to result in an absent or disrupted protein product. Loss-of-function variants in PALB2 are known to be pathogenic (PMID: 17200668, 17200671, 17200672, 24136930, 25099575). This variant is not present in population databases (gnomAD no frequency). This variant has not been reported in the literature in individuals affected with PALB2-related conditions. ClinVar contains an entry for this variant (Variation ID: 2673874). RNA analysis performed to evaluate the impact of this premature translational stop signal on mRNA splicing indicates it does not significantly alter splicing (internal data). For these reasons, this variant has been classified as Pathogenic.

Myriad Genetics, Inc.
Classification: Pathogenic for Familial cancer of breast. Last evaluated: 2023-09-05. Review status: criteria provided, single submitter. Criteria: Myriad Autosomal Dominant, Autosomal Recessive and X-Linked Classification Criteria (2023). Collection method: clinical testing. Allele origin: unknown.
Comment: This variant is considered pathogenic. This variant creates a termination codon and is predicted to result in premature protein truncation.

Literature cited by the submitters: PubMed 17200668 (cited by Labcorp Genetics (formerly Invitae), Labcorp); PubMed 17200671 (cited by Labcorp Genetics (formerly Invitae), Labcorp); PubMed 17200672 (cited by Labcorp Genetics (formerly Invitae), Labcorp); PubMed 24136930 (cited by Labcorp Genetics (formerly Invitae), Labcorp); PubMed 25099575 (cited by Labcorp Genetics (formerly Invitae), Labcorp).

NM_024675.4(PALB2):c.84_85del (p.Tyr28_Ser29delinsTer)

Gene: PALB2 (partner and localizer of BRCA2; minus strand). Cytogenetic location: 16p12.2.
Variant type: Deletion.
Coding change: c.84_85del on transcript NM_024675.4 (MANE Select); coding-DNA positions 84 to 85, 2 bases deleted (CA; older notation c.84_85delCA).
Protein change: p.Tyr28_Ser29delinsTer.
Molecular consequence: nonsense. On other transcripts: 5 prime UTR variant (8), intron variant (4).
Genome position (GRCh38, 1-based): chr16:23,638,093-23,638,094, TG deleted on the plus strand (CA on the coding strand, the reverse complement: PALB2 is on the minus strand); deleting any 2 consecutive bases within chr16:23,638,093-23,638,095 gives the same sequence; the c. name uses the placement nearest the transcript's 3' end. VCF-style (leftmost placement, unchanged base first): chr16-23638092-CTG-C. GRCh37 (hg19) VCF-style: chr16-23649413-CTG-C.
Other names: c.84_85del, p.Tyr28_Ser29delinsTer (NM_001407297.1, NM_001407298.1, NM_001407299.1 and 3 more transcripts); c.-802_-801del (NM_001407304.1, NM_001407305.1, NM_001407306.1 and 5 more transcripts); c.48+3016_48+3017del (NM_001407314.1); c.-105+3016_-105+3017del (NM_001407313.1, NM_001407312.1); c.49-142_49-141del (NM_001407296.1).
Identifiers: ClinVar variation 2673874 (VCV002673874.2), dbSNP rs2506539952, ClinGen allele CA2695197565.